The following is an entry in ClinVar:

NM_000350.3(ABCA4):c.1698C>G (p.His566Gln)

Gene: ABCA4 (ATP binding cassette subfamily A member 4; minus strand). Cytogenetic location: 1p22.1.
Variant type: single nucleotide variant.
Coding change: c.1698C>G on transcript NM_000350.3 (MANE Select); coding-DNA position 1698, C replaced by G.
Protein change: p.His566Gln; replaces histidine 566 with glutamine.
Molecular consequence: missense variant.
Genome position (GRCh38, 1-based): chr1:94,063,174, G>C on the plus strand (C>G on the coding strand, the complement: ABCA4 is on the minus strand). VCF-style: chr1-94063174-G-C. GRCh37 (hg19) VCF-style: chr1-94528730-G-C.
Other names: c.1698C>G, p.His566Gln (NM_001425324.1); short protein forms H566Q.
Identifiers: ClinVar variation 1704303 (VCV001704303.3), dbSNP rs768129542, ClinGen allele CA341280108.
Genomic context (GRCh38, chr1:94,063,174, plus strand): 5'-GTCTTTAATCTTATTGGTTTTCTCCACCACGTCTATGTCCATTCGGATCTTATACTTCAC[G>C]TGGGGTGGTAGAGAGCTGGTCCAGGGATACATGTCAGGGAATACCACTCCGGCCCAGAAC-3'
Protein context (NP_000341.2, residues 556-576): MYPWTSSLPP[His566Gln]VKYKIRMDID

ClinVar aggregate classification (germline): Pathogenic (1 of 4 stars; one submission).

Conditions:
Retinitis pigmentosa 19 (RP19). Also called: ABCA4-Related Retinitis Pigmentosa. Identifiers: Orphanet 791, MedGen C1866422, MONDO:0011137, OMIM 601718.

Submission:

Genetics Laboratory, Department of Biology, Semnan University
Classification: Pathogenic for Retinitis pigmentosa 19. Last evaluated: 2019-01-23. Review status: criteria provided, single submitter. Criteria: ACMG Guidelines, 2015. Collection method: case-control. Allele origin: inherited. Inheritance: Autosomal recessive inheritance. Affected: yes. Observed: 1 homozygote.
Comment: The identified mutation leads to the substitution of Histidine 566 with Glutamine (H566Q) in the ABCA4 protein. Hence, this substitution alters the amino acid sequence and leads to a decreased function of mutated protein.